The following is an entry in ClinVar:

NM_007118.4(TRIO):c.7762_7763del (p.Met2588fs)

Gene: TRIO (trio Rho guanine nucleotide exchange factor; plus strand). Cytogenetic location: 5p15.2.
Variant type: Deletion.
Coding change: c.7762_7763del on transcript NM_007118.4 (MANE Select); coding-DNA positions 7762 to 7763, 2 bases deleted (AT; older notation c.7762_7763delAT).
Protein change: p.Met2588fs; shifts the reading frame from methionine 2588.
Molecular consequence: frameshift variant. On other transcripts: non-coding transcript variant (1).
Genome position (GRCh38, 1-based): chr5:14,492,696-14,492,697, AT deleted. VCF-style (leftmost placement, unchanged base first): chr5-14492695-CAT-C. GRCh37 (hg19) VCF-style: chr5-14492804-CAT-C.
Other names: short protein forms M2588fs.
Identifiers: ClinVar variation 1076946 (VCV001076946.7), dbSNP rs2126660137, ClinGen allele CA2499217708.
Genomic context (GRCh38, chr5:14,492,695, plus strand): 5'-GGATGAGATCAACGTCTACCAAGGAGAGGTCGTTCAAATTCTGGCCAGCAACCAGCAGAA[CAT>C]GTTTCTGGTGTTCCGAGCCGCCACTGACCAGTGCCCCGCAGCTGAGGGCTGGATTCCAGG-3'

ClinVar aggregate classification (germline): Pathogenic (1 of 4 stars; one submission).

Submission:

Labcorp Genetics (formerly Invitae), Labcorp
Classification: Pathogenic. Last evaluated: 2020-03-26. Review status: criteria provided, single submitter. Criteria: Invitae Variant Classification Sherloc (09022015). Collection method: clinical testing. Allele origin: germline.
Comment: This sequence change creates a premature translational stop signal (p.Met2588Valfs*9) in the TRIO gene. It is expected to result in an absent or disrupted protein product. For these reasons, this variant has been classified as Pathogenic. Loss-of-function variants in TRIO are known to be pathogenic (PMID: 26721934). This variant has not been reported in the literature in individuals with TRIO-related conditions. This variant is not present in population databases (ExAC no frequency).

Literature cited by the submitters: PubMed 26721934.